The following is an entry in ClinVar:

ClinVar aggregate classification (germline): Uncertain significance (1 of 4 stars; one submission).

Conditions:
Curry-Hall syndrome (WAD). Also called: WEYERS ACRODENTAL DYSOSTOSIS. Identifiers: Orphanet 952, MedGen C0457013, MONDO:0008673, OMIM 193530.
Ellis-van Creveld syndrome (EVC). Also called: EVC-Related Ellis-van Creveld Syndrome; EVC2-Related Ellis-van Creveld Syndrome; MESOECTODERMAL DYSPLASIA; Chondroectodermal dysplasia. Identifiers: Orphanet 289, MedGen C0013903, MONDO:0009162, OMIM 225500.

Allele frequency attached by ClinVar (database versions not stated): gnomAD exomes below 0.00001; ExAC 0.00001; gnomAD 0.00001.

Submission:

Labcorp Genetics (formerly Invitae), Labcorp
Classification: Uncertain significance for Curry-Hall syndrome; Ellis-van Creveld syndrome. Last evaluated: 2024-11-27. Review status: criteria provided, single submitter. Criteria: Invitae Variant Classification Sherloc (09022015). Collection method: clinical testing. Allele origin: germline.
Comment: This sequence change replaces methionine, which is neutral and non-polar, with isoleucine, which is neutral and non-polar, at codon 1004 of the EVC2 protein (p.Met1004Ile). This variant is not present in population databases (gnomAD no frequency). This variant has not been reported in the literature in individuals affected with EVC2-related conditions. ClinVar contains an entry for this variant (Variation ID: 2931757). An algorithm developed to predict the effect of missense changes on protein structure and function (PolyPhen-2) suggests that this variant is likely to be tolerated. In summary, the available evidence is currently insufficient to determine the role of this variant in disease. Therefore, it has been classified as a Variant of Uncertain Significance.

NM_147127.5(EVC2):c.3012G>A (p.Met1004Ile)

Gene: EVC2 (EvC ciliary complex subunit 2; minus strand). Cytogenetic location: 4p16.2.
Variant type: single nucleotide variant.
Coding change: c.3012G>A on transcript NM_147127.5 (MANE Select); coding-DNA position 3012, G replaced by A.
Protein change: p.Met1004Ile; replaces methionine 1004 with isoleucine.
Molecular consequence: missense variant.
Genome position (GRCh38, 1-based): chr4:5,584,668, C>T on the plus strand (G>A on the coding strand, the complement: EVC2 is on the minus strand). VCF-style: chr4-5584668-C-T. GRCh37 (hg19) VCF-style: chr4-5586395-C-T.
Other names: c.2772G>A, p.Met924Ile (NM_001166136.2); short protein forms M1004I, M924I.
Identifiers: ClinVar variation 2931757 (VCV002931757.3), dbSNP rs779341427, ClinGen allele CA2834490.